The following is an entry in ClinVar:

ClinVar aggregate classification (germline): Pathogenic. Review status: criteria provided, single submitter (1 of 4 stars). 2 submissions from 1 submitter: Pathogenic (2). Last evaluated 2021-09-01.

Conditions:
Sotos syndrome (SOTOS). Also called: Distinctive facial appearance, overgrowth in childhood, and learning disabilities or delayed development; SOTOS SYNDROME 1; Sotos' syndrome; CHROMOSOME 5q35 DELETION SYNDROME; CEREBRAL GIGANTISM. Identifiers: Orphanet 821, MedGen C0175695, MONDO:0019349, OMIM 117550.
Beckwith-Wiedemann syndrome (BWS). Also called: EMG SYNDROME; Exomphalos macroglossia gigantism syndrome. Identifiers: Orphanet 116, MedGen C0004903, MONDO:0007534, OMIM 130650.

Submissions (2):

Labcorp Genetics (formerly Invitae), Labcorp
Classification: Pathogenic. Last evaluated: 2021-09-01. Review status: criteria provided, single submitter. Criteria: Invitae Variant Classification Sherloc (09022015). Collection method: clinical testing. Allele origin: germline.
Comment: This sequence change creates a premature translational stop signal (p.Met1998Ilefs*4) in the NSD1 gene. It is expected to result in an absent or disrupted protein product. Loss-of-function variants in NSD1 are known to be pathogenic (PMID: 12464997, 14571271, 15942875, 16247291). This variant has not been reported in the literature in individuals affected with NSD1-related conditions. For these reasons, this variant has been classified as Pathogenic.

Labcorp Genetics (formerly Invitae), Labcorp
Classification: Pathogenic for Beckwith-Wiedemann syndrome. Last evaluated: 2015-11-05. Review status: criteria provided, single submitter. Criteria: Invitae Variant Classification Sherloc (09022015). Collection method: clinical testing. Allele origin: germline.
Comment: This sequence change deletes 1 nucleotide from exon 19 of the NSD1 mRNA (c.5994delG), causing a frameshift at codon 1998. This creates a premature translational stop signal (p.Met1998Ilefs*4) and is expected to result in an absent or disrupted protein product. While this particular variant has not been reported in the literature, truncating variants in NSD1 are known to be pathogenic (PMID: 12807965, 15942875, 17565729). For these reasons, this variant has been classified as Pathogenic.

Literature cited by the submitters: PubMed 12464997; PubMed 14571271; PubMed 15942875; PubMed 16247291.

NM_022455.5(NSD1):c.5994del (p.Met1998fs)

Gene: NSD1 (nuclear receptor binding SET domain protein 1; plus strand). Cytogenetic location: 5q35.3.
Variant type: Deletion.
Coding change: c.5994del on transcript NM_022455.5 (MANE Select); coding-DNA position 5994, one base deleted (G; older notation c.5994delG).
Protein change: p.Met1998fs; shifts the reading frame from methionine 1998.
Molecular consequence: frameshift variant.
Genome position (GRCh38, 1-based): chr5:177,282,566, G deleted. VCF-style (leftmost placement, unchanged base first): chr5-177282565-TG-T. GRCh37 (hg19) VCF-style: chr5-176709566-TG-T.
Other names: c.5121delG, p.Met1707Ilefs (NM_001365684.2, NM_001409308.1, NM_001409309.1 and 1 more transcripts); c.5994delG, p.Met1998Ilefs (NM_001409301.1, NM_001409302.1, NM_001409303.1); c.5574delG, p.Met1858Ilefs (NM_001409304.1); c.5241delG, p.Met1747Ilefs (NM_001409305.1); c.5232delG, p.Met1744Ilefs (NM_001409306.1, NM_001409307.1); short protein forms M1729fs, M1998fs.
Identifiers: ClinVar variation 241436 (VCV000241436.8), dbSNP rs878855077, ClinGen allele CA10582416.
Genomic context (GRCh38, chr5:177,282,565, plus strand): 5'-AAGAAGAATGCAGAGCTCGAATTCGCTATGCTCAAGAACATGATATCACTAATTTCTATA[TG>T]CTCACCCTAGACAAAGTAAGTAATGGGAAATGCTGTTTTCACTGTTACAAGATTGTAAAT-3'